The following is an entry in ClinVar:

NM_003239.5(TGFB3):c.1039C>A (p.Pro347Thr)

Gene: TGFB3 (transforming growth factor beta 3; minus strand). Cytogenetic location: 14q24.3.
Variant type: single nucleotide variant.
Coding change: c.1039C>A on transcript NM_003239.5 (MANE Select); coding-DNA position 1039, C replaced by A.
Protein change: p.Pro347Thr; replaces proline 347 with threonine.
Molecular consequence: missense variant.
Genome position (GRCh38, 1-based): chr14:75,960,964, G>T on the plus strand (C>A on the coding strand, the complement: TGFB3 is on the minus strand). VCF-style: chr14-75960964-G-T. GRCh37 (hg19) VCF-style: chr14-76427307-G-T.
Other names: c.1039C>A, p.Pro347Thr (NM_001329939.2); short protein forms P347T.
Identifiers: ClinVar variation 4183555 (VCV004183555.1).
Genomic context (GRCh38, chr14:75,960,964, plus strand): 5'-GCATGAGCCTGCTCCATACCGTGCTGTGGGTTGTGTCTGCACTGCGGAGGTATGGGCAAG[G>T]GCCTGAGCAGAAGTTGGCATAGTAGCCCTTAGGTTCATGGACCCACTTCCAGCCCAGATC-3'
Protein context (NP_003230.1, residues 337-357): KGYYANFCSG[Pro347Thr]CPYLRSADTT

ClinVar aggregate classification (germline): Uncertain significance (1 of 4 stars; one submission).

Conditions:
Familial thoracic aortic aneurysm and aortic dissection (TAAD). Also called: Thoracic aortic aneurysms and dissections. Identifiers: Orphanet 91387, MedGen C4707243, MONDO:0019625.

Submission:

Ambry Genetics
Classification: Uncertain significance for Familial thoracic aortic aneurysm and aortic dissection. Last evaluated: 2025-07-15. Review status: criteria provided, single submitter. Criteria: Ambry Variant Classification Scheme 2023. Collection method: clinical testing. Allele origin: germline.
Comment: The p.P347T variant (also known as c.1039C>A), located in coding exon 6 of the TGFB3 gene, results from a C to A substitution at nucleotide position 1039. The proline at codon 347 is replaced by threonine, an amino acid with highly similar properties. This amino acid position is conserved. In addition, the in silico prediction for this alteration is inconclusive. Based on the available evidence, the clinical significance of this variant remains unclear.